The following is an entry in ClinVar:

NM_001465.6(FYB1):c.1154C>T (p.Thr385Met)

Gene: FYB1 (FYN binding protein 1; minus strand). Cytogenetic location: 5p13.1.
Variant type: single nucleotide variant.
Coding change: c.1154C>T on transcript NM_001465.6 (MANE Select); coding-DNA position 1154, C replaced by T.
Protein change: p.Thr385Met; replaces threonine 385 with methionine.
Molecular consequence: missense variant.
Genome position (GRCh38, 1-based): chr5:39,153,586, G>A on the plus strand (C>T on the coding strand, the complement: FYB1 is on the minus strand). VCF-style: chr5-39153586-G-A. GRCh37 (hg19) VCF-style: chr5-39153688-G-A.
Other names: c.1154C>T (NM_001465.4); c.1184C>T, p.Thr395Met (NM_001243093.2, NM_018594.2); c.1154C>T, p.Thr385Met (NM_001349333.2, NM_199335.5); c.1184C>T (NM_001243093.1); short protein forms T385M, T395M.
Identifiers: ClinVar variation 932616 (VCV000932616.42), dbSNP rs762792496, ClinGen allele CA3246310.

ClinVar aggregate classification (germline): Uncertain significance. Review status: criteria provided, multiple submitters, no conflicts (2 of 4 stars). 3 submissions from 3 submitters: Uncertain significance (3). Last evaluated 2026-03-03.

Conditions:
FYB1-related disorder. Also called: FYB1-related condition.

Allele frequency attached by ClinVar (database versions not stated): TOPMed 0.00003.
gnomAD v4.1: 70 of 1,613,024 alleles (0.0043%); highest among the groups gnomAD compares: Middle Eastern, 0.033%; no homozygotes.

Submissions (3):

PreventionGenetics, part of Exact Sciences
Classification: Uncertain significance for FYB1-related condition. Last evaluated: 2026-03-03. Review status: criteria provided, single submitter. Criteria: ACMG Guidelines, 2015. Collection method: clinical testing. Allele origin: germline.
Comment: The FYB1 c.1184C>T variant is predicted to result in the amino acid substitution p.Thr395Met. To our knowledge, this variant has not been reported in the literature. This variant is reported in 0.010% of alleles in individuals of East Asian descent in gnomAD. At this time, the clinical significance of this variant is uncertain due to the absence of conclusive functional and genetic evidence.

Ambry Genetics
Classification: Uncertain significance. Last evaluated: 2025-01-27. Review status: criteria provided, single submitter. Criteria: Ambry Variant Classification Scheme 2023. Collection method: clinical testing. Allele origin: germline.

CeGaT Center for Human Genetics Tuebingen
Classification: Uncertain significance. Last evaluated: 2020-06-01. Review status: criteria provided, single submitter. Criteria: CeGaT Center For Human Genetics Tuebingen Variant Classification Criteria Version 2. Collection method: clinical testing. Allele origin: germline. Affected: yes. Observed: 1 variant allele.